The following is an entry in ClinVar:

ClinVar aggregate classification (germline): Uncertain significance (1 of 4 stars; one submission).

Conditions:
SH2B1-related disorder. Also called: SH2B1-related condition.

gnomAD v4.1: 67 of 1,605,858 alleles (0.0042%); highest among the groups gnomAD compares: Non-Finnish European, 0.0051%; no homozygotes.

Submission:

PreventionGenetics, part of Exact Sciences
Classification: Uncertain significance for SH2B1-related condition. Last evaluated: 2025-01-29. Review status: criteria provided, single submitter. Criteria: ACMG Guidelines, 2015. Collection method: clinical testing. Allele origin: germline.
Comment: The SH2B1 c.584G>C variant is predicted to result in the amino acid substitution p.Gly195Ala. To our knowledge, this variant has not been reported in the literature. This variant is reported in 0.0018% of alleles in individuals of European (Non-Finnish) descent in gnomAD. At this time, the clinical significance of this variant is uncertain due to the absence of conclusive functional and genetic evidence.

NM_001387430.1(SH2B1):c.584G>C (p.Gly195Ala)

Gene: SH2B1 (SH2B adaptor protein 1; plus strand). Cytogenetic location: 16p11.2.
Variant type: single nucleotide variant.
Coding change: c.584G>C on transcript NM_001387430.1 (MANE Select); coding-DNA position 584, G replaced by C.
Protein change: p.Gly195Ala; replaces glycine 195 with alanine.
Molecular consequence: missense variant. On other transcripts: intron variant (1).
Genome position (GRCh38, 1-based): chr16:28,866,678, G>C. VCF-style: chr16-28866678-G-C. GRCh37 (hg19) VCF-style: chr16-28877999-G-C.
Other names: c.584G>C, p.Gly195Ala (NM_001145795.2, NM_001145796.2, NM_001145797.2 and 4 more transcripts); c.-26-696G>C (NM_001308294.2); short protein forms G195A.
Identifiers: ClinVar variation 4990645 (VCV004990645.1).